The following is an entry in ClinVar:

ClinVar aggregate classification (germline): Benign (1 of 4 stars; one submission).

Conditions:
Lynch syndrome 4 (LYNCH4). Also called: Colorectal cancer, hereditary nonpolyposis, type 4; Hereditary non-polyposis colorectal cancer, type 4. Identifiers: Orphanet 144, MedGen C1838333, MONDO:0013699, OMIM 614337. Disease mechanism: loss of function.

Submission:

Myriad Genetics, Inc.
Classification: Benign for Lynch syndrome 4. Last evaluated: 2025-01-28. Review status: criteria provided, single submitter. Criteria: Myriad Autosomal Dominant, Autosomal Recessive and X-Linked Classification Criteria (2023). Collection method: clinical testing. Allele origin: unknown.
Comment: This variant is considered benign. This variant is intronic and is not expected to impact mRNA splicing.

NM_000535.7(PMS2):c.804-56T>G

Gene: PMS2 (PMS1 homolog 2, mismatch repair system component; minus strand). Cytogenetic location: 7p22.1.
Variant type: single nucleotide variant.
Coding change: c.804-56T>G on transcript NM_000535.7 (MANE Select); 56 bases into the intron before coding-DNA position 804, T replaced by G.
Molecular consequence: intron variant.
Genome position (GRCh38, 1-based): chr7:5,995,689, A>C on the plus strand (T>G on the coding strand, the complement: PMS2 is on the minus strand). VCF-style: chr7-5995689-A-C. GRCh37 (hg19) VCF-style: chr7-6035320-A-C.
Other names: c.486-56T>G (NM_001322008.2, NM_001406902.1, NM_001406883.1 and 4 more transcripts); c.495-56T>G (NM_001406881.1, NM_001406879.1, NM_001322015.2 and 6 more transcripts); c.399-56T>G (NM_001406895.1, NM_001322010.2, NM_001322004.2 and 19 more transcripts); c.133-3632T>G (NM_001406911.1); c.291-56T>G (NM_001406904.1, NM_001406905.1); c.231-56T>G (NM_001322013.2, NM_001406909.1); c.-130-56T>G (NM_001322012.2, NM_001322011.2); c.468-56T>G (NM_001406885.1); and 8 more.
Identifiers: ClinVar variation 3903768 (VCV003903768.1).